The following is an entry in ClinVar:

NM_002907.4(RECQL):c.245T>C (p.Ile82Thr)

Gene: RECQL (RecQ like helicase; minus strand). Cytogenetic location: 12p12.1.
Variant type: single nucleotide variant.
Coding change: c.245T>C on transcript NM_002907.4 (MANE Select); coding-DNA position 245, T replaced by C.
Protein change: p.Ile82Thr; replaces isoleucine 82 with threonine.
Molecular consequence: missense variant.
Genome position (GRCh38, 1-based): chr12:21,490,348, A>G on the plus strand (T>C on the coding strand, the complement: RECQL is on the minus strand). VCF-style: chr12-21490348-A-G. GRCh37 (hg19) VCF-style: chr12-21643282-A-G.
Other names: c.245T>C, p.Ile82Thr (NM_032941.3); short protein forms I82T.
Identifiers: ClinVar variation 956577 (VCV000956577.13), dbSNP rs753864975, ClinGen allele CA6479144.

ClinVar aggregate classification (germline): Uncertain significance. Review status: criteria provided, multiple submitters, no conflicts (2 of 4 stars). 3 submissions from 3 submitters: Uncertain significance (3). Last evaluated 2025-02-19.

Allele frequency attached by ClinVar (database versions not stated): gnomAD exomes 0.00001 and 0.00004; TOPMed 0.00001; ExAC 0.00002; gnomAD 0.00004 and 0.00005.

Submissions (3):

Labcorp Genetics (formerly Invitae), Labcorp
Classification: Uncertain significance. Last evaluated: 2025-02-19. Review status: criteria provided, single submitter. Criteria: Invitae Variant Classification Sherloc (09022015). Collection method: clinical testing. Allele origin: germline.
Comment: This sequence change replaces isoleucine, which is neutral and non-polar, with threonine, which is neutral and polar, at codon 82 of the RECQL protein (p.Ile82Thr). This variant is present in population databases (rs753864975, gnomAD 0.005%). This variant has not been reported in the literature in individuals affected with RECQL-related conditions. ClinVar contains an entry for this variant (Variation ID: 956577). Invitae Evidence Modeling of protein sequence and biophysical properties (such as structural, functional, and spatial information, amino acid conservation, physicochemical variation, residue mobility, and thermodynamic stability) indicates that this missense variant is not expected to disrupt RECQL protein function with a negative predictive value of 80%. In summary, the available evidence is currently insufficient to determine the role of this variant in disease. Therefore, it has been classified as a Variant of Uncertain Significance.

Ambry Genetics
Classification: Uncertain significance. Last evaluated: 2024-11-16. Review status: criteria provided, single submitter. Criteria: Ambry Variant Classification Scheme 2023. Collection method: clinical testing. Allele origin: germline.
Comment: The p.I82T variant (also known as c.245T>C), located in coding exon 3 of the RECQL gene, results from a T to C substitution at nucleotide position 245. The isoleucine at codon 82 is replaced by threonine, an amino acid with similar properties. This amino acid position is poorly conserved in available vertebrate species. In addition, this alteration is predicted to be tolerated by in silico analysis. Since supporting evidence is limited at this time, the clinical significance of this alteration remains unclear.

GeneDx
Classification: Uncertain significance. Last evaluated: 2023-09-28. Review status: criteria provided, single submitter. Criteria: GeneDx Variant Classification Process June 2021. Collection method: clinical testing. Allele origin: germline. Affected: yes.
Comment: Observed in an individual with Landau-Kleffner syndrome (Conroy et al., 2014); In silico analysis supports that this missense variant does not alter protein structure/function; Variants in candidate genes are classified as variants of uncertain significance in accordance with ACMG guidelines (Richards et al., 2015); This variant is associated with the following publications: (PMID: 24828792, 19151156, 27248010)